The following is an entry in ClinVar:

NM_000179.3(MSH6):c.68C>G (p.Ala23Gly)

Gene: MSH6 (mutS homolog 6; plus strand). Cytogenetic location: 2p16.3.
Variant type: single nucleotide variant.
Coding change: c.68C>G on transcript NM_000179.3 (MANE Select); coding-DNA position 68, C replaced by G.
Protein change: p.Ala23Gly; replaces alanine 23 with glycine.
Molecular consequence: missense variant. On other transcripts: 5 prime UTR variant (1).
Genome position (GRCh38, 1-based): chr2:47,783,301, C>G. VCF-style: chr2-47783301-C-G. GRCh37 (hg19) VCF-style: chr2-48010440-C-G.
Other names: c.68C>G, p.Ala23Gly (NM_001281492.2); c.-669C>G (NM_001281493.2); short protein forms A23G.
Identifiers: ClinVar variation 410459 (VCV000410459.12), dbSNP rs1060502912, ClinGen allele CA16610864.

ClinVar aggregate classification (germline): Uncertain significance. Review status: criteria provided, multiple submitters, no conflicts (2 of 4 stars). 2 submissions from 2 submitters: Uncertain significance (2). Last evaluated 2020-04-26.

Conditions:
Hereditary nonpolyposis colorectal neoplasms. Identifiers: MedGen C0009405, MeSH D003123.
Hereditary cancer-predisposing syndrome. Also called: Tumor predisposition; Hereditary Cancer Syndrome; Hereditary neoplastic syndrome; Neoplastic Syndromes, Hereditary. Identifiers: Orphanet 140162, MedGen C0027672, MeSH D009386, MONDO:0015356.

Submissions (2):

Labcorp Genetics (formerly Invitae), Labcorp
Classification: Uncertain significance for Hereditary nonpolyposis colorectal neoplasms. Last evaluated: 2020-04-26. Review status: criteria provided, single submitter. Criteria: Invitae Variant Classification Sherloc (09022015). Collection method: clinical testing. Allele origin: germline.
Comment: In summary, this variant is a novel missense change that is not predicted to affect protein function. There is no indication that it causes disease, but the available evidence is currently insufficient to prove that conclusively. Therefore, it has been classified as a Variant of Uncertain Significance. Algorithms developed to predict the effect of missense changes on protein structure and function output the following: (SIFT: "Tolerated"; PolyPhen-2: "Benign"; Align-GVGD: "Class C0"). The glycine amino acid residue is found in multiple mammalian species, suggesting that this missense change does not adversely affect protein function. These predictions have not been confirmed by published functional studies. This variant is not present in population databases (ExAC no frequency) and has not been reported in the literature in individuals with a MSH6-related disease. This sequence change replaces alanine with glycine at codon 23 of the MSH6 protein (p.Ala23Gly). The alanine residue is weakly conserved and there is a small physicochemical difference between alanine and glycine.

Ambry Genetics
Classification: Uncertain significance for Hereditary cancer-predisposing syndrome. Last evaluated: 2016-06-16. Review status: criteria provided, single submitter. Criteria: Ambry Variant Classification Scheme 2023. Collection method: clinical testing. Allele origin: germline.
Comment: The p.A23G variant (also known as c.68C>G), located in coding exon 1 of the MSH6 gene, results from a C to G substitution at nucleotide position 68. The alanine at codon 23 is replaced by glycine, an amino acid with similar properties. This variant was not reported in population based cohorts in the following databases: Database of Single Nucleotide Polymorphisms (dbSNP), NHLBI Exome Sequencing Project (ESP), and 1000 Genomes Project. In the ESP, this variant was not observed in 6455 samples (12910 alleles) with coverage at this position. To date, this alteration has been detected with an allele frequency of approximately 0.001% (greater than 150000 alleles tested) in our clinical cohort. This amino acid position is well conserved in available vertebrate species. In addition, this alteration is predicted to be tolerated by in silico analysis. In addition, the CoDP in silico tool predicts this alteration to have minor impact on molecular function, with a score of 0.00 (Terui H et al. J. Biomed. Sci. 2013;20:25). Since supporting evidence is limited at this time, the clinical significance of this alteration remains unclear.